The following is an entry in ClinVar:

NM_001206927.2(DNAH8):c.13904T>C (p.Met4635Thr)

Gene: DNAH8 (dynein axonemal heavy chain 8; plus strand). Cytogenetic location: 6p21.2.
Variant type: single nucleotide variant.
Coding change: c.13904T>C on transcript NM_001206927.2 (MANE Select); coding-DNA position 13904, T replaced by C.
Protein change: p.Met4635Thr; replaces methionine 4635 with threonine.
Molecular consequence: missense variant.
Genome position (GRCh38, 1-based): chr6:39,030,172, T>C. VCF-style: chr6-39030172-T-C. GRCh37 (hg19) VCF-style: chr6-38997948-T-C.
Other names: c.13253T>C, p.Met4418Thr (NM_001371.4); short protein forms M4635T, M4418T.
Identifiers: ClinVar variation 454555 (VCV000454555.10), dbSNP rs372017066, ClinGen allele CA3791814.

ClinVar aggregate classification (germline): Conflicting classifications of pathogenicity. Review status: criteria provided, conflicting classifications (1 of 4 stars). 2 submissions from 2 submitters: Uncertain significance (1); Likely benign (1). Last evaluated 2024-06-28.

Conditions:
Primary ciliary dyskinesia. Also called: Ciliary dyskinesia. Identifiers: Orphanet 244, MedGen C0008780, MONDO:0016575, HP:0012265.

Allele frequency attached by ClinVar (database versions not stated): gnomAD exomes 0.00002 and 0.00001; gnomAD 0.00009 and 0.00010; TOPMed 0.00011; ESP Exome Variant Server 0.00015; ExAC 0.00002.
gnomAD v4.1: 29 of 1,614,002 alleles (0.0018%); highest among the groups gnomAD compares: African/African-American, 0.031%; no homozygotes.

Submissions (2):

Labcorp Genetics (formerly Invitae), Labcorp
Classification: Uncertain significance for Primary ciliary dyskinesia. Last evaluated: 2024-06-28. Review status: criteria provided, single submitter. Criteria: Invitae Variant Classification Sherloc (09022015). Collection method: clinical testing. Allele origin: germline.
Comment: This sequence change replaces methionine, which is neutral and non-polar, with threonine, which is neutral and polar, at codon 4635 of the DNAH8 protein (p.Met4635Thr). This variant is present in population databases (rs372017066, gnomAD 0.02%). This variant has not been reported in the literature in individuals affected with DNAH8-related conditions. ClinVar contains an entry for this variant (Variation ID: 454555). Advanced modeling of protein sequence and biophysical properties (such as structural, functional, and spatial information, amino acid conservation, physicochemical variation, residue mobility, and thermodynamic stability) performed at Invitae indicates that this missense variant is not expected to disrupt DNAH8 protein function with a negative predictive value of 80%. In summary, the available evidence is currently insufficient to determine the role of this variant in disease. Therefore, it has been classified as a Variant of Uncertain Significance.

Ambry Genetics
Classification: Likely benign. Last evaluated: 2022-12-28. Review status: criteria provided, single submitter. Criteria: Ambry Variant Classification Scheme 2023. Collection method: clinical testing. Allele origin: germline.